The following is an entry in ClinVar:

NM_001374353.1(GLI2):c.2467C>T (p.Pro823Ser)

Gene: GLI2 (GLI family zinc finger 2; plus strand). Cytogenetic location: 2q14.2.
Variant type: single nucleotide variant.
Coding change: c.2467C>T on transcript NM_001374353.1 (MANE Select); coding-DNA position 2467, C replaced by T.
Protein change: p.Pro823Ser; replaces proline 823 with serine.
Molecular consequence: missense variant.
Genome position (GRCh38, 1-based): chr2:120,988,432, C>T. VCF-style: chr2-120988432-C-T. GRCh37 (hg19) VCF-style: chr2-121746008-C-T.
Other names: c.2518C>T, p.Pro840Ser (NM_001371271.1, NM_005270.5); c.2092C>T, p.Pro698Ser (NM_001374354.1); short protein forms P698S, P823S, P840S.
Identifiers: ClinVar variation 3346595 (VCV003346595.1).

ClinVar aggregate classification (germline): Uncertain significance (0 of 4 stars; one submission).

Conditions:
GLI2-related disorder. Also called: GLI2-related condition; GLI2-related disorders.

gnomAD v4.1: 6 of 1,574,500 alleles (0.00038%); highest among the groups gnomAD compares: South Asian, 0.0011%; no homozygotes.

Submission:

PreventionGenetics, part of Exact Sciences
Classification: Uncertain significance for GLI2-related condition. Last evaluated: 2024-08-22. Review status: no assertion criteria provided. Collection method: clinical testing. Allele origin: germline.
Comment: The GLI2 c.2518C>T variant is predicted to result in the amino acid substitution p.Pro840Ser. To our knowledge, this variant has not been reported in the literature. This variant is reported in 0.0038% of alleles in individuals of South Asian descent in gnomAD. At this time, the clinical significance of this variant is uncertain due to the absence of conclusive functional and genetic evidence.